The following is an entry in ClinVar:

ClinVar aggregate classification (germline): Uncertain significance (1 of 4 stars; one submission).

Conditions:
Brugada syndrome 8 (BRGDA8). Identifiers: Orphanet 130, MedGen C2751083, MONDO:0013148, OMIM 613123.

Allele frequency attached by ClinVar (database versions not stated): gnomAD exomes below 0.00001.
gnomAD v4.1: 4 of 1,486,458 alleles (0.00027%); highest among the groups gnomAD compares: Non-Finnish European, 0.00036%; no homozygotes.

Submission:

Labcorp Genetics (formerly Invitae), Labcorp
Classification: Uncertain significance for Brugada syndrome 8. Last evaluated: 2024-09-17. Review status: criteria provided, single submitter. Criteria: Invitae Variant Classification Sherloc (09022015). Collection method: clinical testing. Allele origin: germline.
Comment: This sequence change replaces proline, which is neutral and non-polar, with glutamine, which is neutral and polar, at codon 165 of the HCN4 protein (p.Pro165Gln). This variant is not present in population databases (gnomAD no frequency). This variant has not been reported in the literature in individuals affected with HCN4-related conditions. Invitae Evidence Modeling of protein sequence and biophysical properties (such as structural, functional, and spatial information, amino acid conservation, physicochemical variation, residue mobility, and thermodynamic stability) indicates that this missense variant is not expected to disrupt HCN4 protein function with a negative predictive value of 95%. In summary, the available evidence is currently insufficient to determine the role of this variant in disease. Therefore, it has been classified as a Variant of Uncertain Significance.

NM_005477.3(HCN4):c.494C>A (p.Pro165Gln)

Gene: HCN4 (hyperpolarization activated cyclic nucleotide gated potassium channel 4; minus strand). Cytogenetic location: 15q24.1.
Variant type: single nucleotide variant.
Coding change: c.494C>A on transcript NM_005477.3 (MANE Select); coding-DNA position 494, C replaced by A.
Protein change: p.Pro165Gln; replaces proline 165 with glutamine.
Molecular consequence: missense variant.
Genome position (GRCh38, 1-based): chr15:73,367,777, G>T on the plus strand (C>A on the coding strand, the complement: HCN4 is on the minus strand). VCF-style: chr15-73367777-G-T. GRCh37 (hg19) VCF-style: chr15-73660118-G-T.
Other names: short protein forms P165Q.
Identifiers: ClinVar variation 2956991 (VCV002956991.3), dbSNP rs2043135805, ClinGen allele CA393097851.
Genomic context (GRCh38, chr15:73,367,777, plus strand): 5'-TCCACCGAGGGCTGCTCGCAGGAGGCGGAGGCCGGCTGCGGTGGCTGCTGGGGCGGCGGC[G>T]GCGAGGCTGCGGGCTGCGCCGAGGCGCCGGGGCGCTCGGGCTCGGCCGCCAGGCCTGGGG-3'
Protein context (NP_005468.1, residues 155-175): PGASAQPAAS[Pro165Gln]PPPQQPPQPA